The following is an entry in ClinVar:

NM_000218.3(KCNQ1):c.1514+2631G>T

Genes: KCNQ1 (potassium voltage-gated channel subfamily Q member 1; plus strand), KCNQ1OT1 (KCNQ1 opposite strand/antisense transcript 1; minus strand). Cytogenetic location: 11p15.5.
Variant type: single nucleotide variant.
Coding change: c.1514+2631G>T on transcript NM_000218.3 (MANE Select); 2631 bases into the intron after coding-DNA position 1514, G replaced by T.
Molecular consequence: intron variant.
Genome position (GRCh38, 1-based): chr11:2,664,712, G>T. VCF-style: chr11-2664712-G-T. GRCh37 (hg19) VCF-style: chr11-2685942-G-T.
Other names: c.1244+2631G>T (NM_001406837.1); c.1418+2631G>T (NM_001406836.1); c.974+2631G>T (NM_001406838.1); c.1133+2631G>T (NM_181798.2).
Identifiers: ClinVar variation 1701161 (VCV001701161.31), dbSNP rs553777471, ClinGen allele CA216173318.
Genomic context (GRCh38, chr11:2,664,712, plus strand): 5'-GGGATGCAGCGAAGCTCCTGTGGGCAGCCTGGCCCCATGGACCCTGAACTGGGAAGAGAG[G>T]CACACGCCCTGGTGTGTGTGAGGGACAGGGATGTGTGCTGGGGTCTCACAGGGGGCAGAG-3'

ClinVar aggregate classification (germline): Likely benign (1 of 4 stars; one submission).

Allele frequency attached by ClinVar (database versions not stated): 1000 Genomes Project 30x 0.00062; 1000 Genomes Project 0.00080.
gnomAD v4.1: 838 of 398,728 alleles (0.21%); highest among the groups gnomAD compares: Non-Finnish European, 0.27%; 8 homozygotes.

Submission:

CeGaT Center for Human Genetics Tuebingen
Classification: Likely benign. Last evaluated: 2026-06-01. Review status: criteria provided, single submitter. Criteria: CeGaT Center For Human Genetics Tuebingen Variant Classification Criteria Version 2. Collection method: clinical testing. Allele origin: germline. Affected: yes. Observed: 40 variant alleles.
Comment: KCNQ1OT1: BS2; KCNQ1: BS2